The following is an entry in ClinVar:

ClinVar aggregate classification (germline): Uncertain significance. Review status: criteria provided, multiple submitters, no conflicts (2 of 4 stars). 2 submissions from 2 submitters: Uncertain significance (2). Last evaluated 2023-03-18.

Conditions:
DICER1-related tumor predisposition. Also called: DICER1-related pleuropulmonary blastoma cancer predisposition syndrome; DICER1 syndrome. Identifiers: Orphanet 284343, MedGen C3839822, MONDO:0100216.
Hereditary cancer-predisposing syndrome. Also called: Hereditary Cancer Syndrome; Tumor predisposition; Hereditary neoplastic syndrome; Neoplastic Syndromes, Hereditary. Identifiers: Orphanet 140162, MedGen C0027672, MeSH D009386, MONDO:0015356.

Submissions (2):

Ambry Genetics
Classification: Uncertain significance for Hereditary cancer-predisposing syndrome. Last evaluated: 2023-03-18. Review status: criteria provided, single submitter. Criteria: Ambry Variant Classification Scheme 2023. Collection method: clinical testing. Allele origin: germline.
Comment: The p.H1041R variant (also known as c.3122A>G), located in coding exon 19 of the DICER1 gene, results from an A to G substitution at nucleotide position 3122. The histidine at codon 1041 is replaced by arginine, an amino acid with highly similar properties. This amino acid position is conserved. In addition, the in silico prediction for this alteration is inconclusive. Since supporting evidence is limited at this time, the clinical significance of this alteration remains unclear.

Labcorp Genetics (formerly Invitae), Labcorp
Classification: Uncertain significance for DICER1-related tumor predisposition. Last evaluated: 2020-11-10. Review status: criteria provided, single submitter. Criteria: Invitae Variant Classification Sherloc (09022015). Collection method: clinical testing. Allele origin: germline.
Comment: In summary, the available evidence is currently insufficient to determine the role of this variant in disease. Therefore, it has been classified as a Variant of Uncertain Significance. Algorithms developed to predict the effect of missense changes on protein structure and function (SIFT, PolyPhen-2, Align-GVGD) all suggest that this variant is likely to be disruptive, but these predictions have not been confirmed by published functional studies and their clinical significance is uncertain. This variant has not been reported in the literature in individuals with DICER1-related conditions. This variant is not present in population databases (ExAC no frequency). This sequence change replaces histidine with arginine at codon 1041 of the DICER1 protein (p.His1041Arg). The histidine residue is highly conserved and there is a small physicochemical difference between histidine and arginine.

NM_177438.3(DICER1):c.3122A>G (p.His1041Arg)

Gene: DICER1 (dicer 1, ribonuclease III; minus strand). Cytogenetic location: 14q32.13.
Variant type: single nucleotide variant.
Coding change: c.3122A>G on transcript NM_177438.3 (MANE Select); coding-DNA position 3122, A replaced by G.
Protein change: p.His1041Arg; replaces histidine 1041 with arginine.
Molecular consequence: missense variant.
Genome position (GRCh38, 1-based): chr14:95,105,218, T>C on the plus strand (A>G on the coding strand, the complement: DICER1 is on the minus strand). VCF-style: chr14-95105218-T-C. GRCh37 (hg19) VCF-style: chr14-95571555-T-C.
Other names: c.3122A>G (NM_177438.2); c.3122A>G, p.His1041Arg (NM_001195573.1, NM_001271282.3, NM_001291628.2 and 1 more transcripts); short protein forms H1041R.
Identifiers: ClinVar variation 1054358 (VCV001054358.13), dbSNP rs2139988118, ClinGen allele CA390876870.